The following is an entry in ClinVar:

NM_005862.3(STAG1):c.3765G>A (p.Met1255Ile)

Gene: STAG1 (STAG1 cohesin complex component; minus strand). Cytogenetic location: 3q22.3.
Variant type: single nucleotide variant.
Coding change: c.3765G>A on transcript NM_005862.3 (MANE Select); coding-DNA position 3765, G replaced by A.
Protein change: p.Met1255Ile; replaces methionine 1255 with isoleucine.
Molecular consequence: missense variant.
Genome position (GRCh38, 1-based): chr3:136,338,266, C>T on the plus strand (G>A on the coding strand, the complement: STAG1 is on the minus strand). VCF-style: chr3-136338266-C-T. GRCh37 (hg19) VCF-style: chr3-136057108-C-T.
Other names: short protein forms M1255I.
Identifiers: ClinVar variation 3635793 (VCV003635793.2).

ClinVar aggregate classification (germline): Uncertain significance (1 of 4 stars; one submission).

Submission:

Labcorp Genetics (formerly Invitae), Labcorp
Classification: Uncertain significance. Last evaluated: 2024-10-16. Review status: criteria provided, single submitter. Criteria: Invitae Variant Classification Sherloc (09022015). Collection method: clinical testing. Allele origin: germline.
Comment: This sequence change replaces methionine, which is neutral and non-polar, with isoleucine, which is neutral and non-polar, at codon 1255 of the STAG1 protein (p.Met1255Ile). This variant is not present in population databases (gnomAD no frequency). This variant has not been reported in the literature in individuals affected with STAG1-related conditions. Invitae Evidence Modeling of protein sequence and biophysical properties (such as structural, functional, and spatial information, amino acid conservation, physicochemical variation, residue mobility, and thermodynamic stability) indicates that this missense variant is not expected to disrupt STAG1 protein function with a negative predictive value of 95%. In summary, the available evidence is currently insufficient to determine the role of this variant in disease. Therefore, it has been classified as a Variant of Uncertain Significance.